The following is an entry in ClinVar:

ClinVar aggregate classification (germline): Likely benign. Review status: criteria provided, multiple submitters, no conflicts (2 of 4 stars). 3 submissions from 3 submitters: Likely benign (3). Last evaluated 2026-01-05.

Allele frequency attached by ClinVar (database versions not stated): 1000 Genomes Project 30x 0.00094; 1000 Genomes Project 0.00100; ExAC 0.00124; gnomAD 0.00129; TOPMed 0.00144; ESP Exome Variant Server 0.00238.
gnomAD v4.1: 3,387 of 1,614,170 alleles (0.21%); highest among the groups gnomAD compares: Non-Finnish European, 0.27%; 3 homozygotes.

Submissions (3):

Labcorp Genetics (formerly Invitae), Labcorp
Classification: Likely benign. Last evaluated: 2026-01-05. Review status: criteria provided, single submitter. Criteria: Invitae Variant Classification Sherloc (09022015). Collection method: clinical testing. Allele origin: germline.

Blueprint Genetics
Classification: Likely benign. Last evaluated: 2024-11-20. Review status: criteria provided, single submitter. Criteria: ACMG Guidelines, 2015. Collection method: clinical testing. Allele origin: germline.

CeGaT Center for Human Genetics Tuebingen
Classification: Likely benign. Last evaluated: 2024-05-01. Review status: criteria provided, single submitter. Criteria: CeGaT Center For Human Genetics Tuebingen Variant Classification Criteria Version 2. Collection method: clinical testing. Allele origin: germline. Affected: yes. Observed: 4 variant alleles.
Comment: TRRAP: BP4, BP7, BS1

NM_001375524.1(TRRAP):c.8281C>T (p.Leu2761=)

Gene: TRRAP (transformation/transcription domain associated protein; plus strand). Cytogenetic location: 7q22.1.
Variant type: single nucleotide variant.
Coding change: c.8281C>T on transcript NM_001375524.1 (MANE Select); coding-DNA position 8281, C replaced by T.
Protein change: p.Leu2761=; no amino-acid change (leucine 2761 retained).
Molecular consequence: synonymous variant.
Genome position (GRCh38, 1-based): chr7:98,976,972, C>T. VCF-style: chr7-98976972-C-T. GRCh37 (hg19) VCF-style: chr7-98574595-C-T.
Other names: c.8260C>T, p.Leu2754= (NM_001244580.2); c.8206C>T, p.Leu2736= (NM_003496.4).
Identifiers: ClinVar variation 2020077 (VCV002020077.29), dbSNP rs143671681, ClinGen allele CA4361394.